The following is an entry in ClinVar:

ClinVar aggregate classification (germline): Likely pathogenic (1 of 4 stars; one submission).

Conditions:
Osteogenesis imperfecta, perinatal lethal (OI2). Also called: OSTEOGENESIS IMPERFECTA, TYPE II; Osteogenesis imperfecta type 2; OI, TYPE II; OSTEOGENESIS IMPERFECTA CONGENITA; VROLIK TYPE OF OSTEOGENESIS IMPERFECTA; Osteogenesis imperfecta, dominant perinatal lethal. Identifiers: Orphanet 216804, MedGen C0268358, MONDO:0008147, OMIM 166210.

Submission:

Neuberg Centre For Genomic Medicine, NCGM
Classification: Likely pathogenic for Osteogenesis imperfecta, perinatal lethal. Last evaluated: 2023-06-22. Review status: criteria provided, single submitter. Criteria: ACMG Guidelines, 2015. Collection method: clinical testing. Allele origin: germline. Inheritance: Autosomal dominant inheritance. Affected: yes.
Comment: The observed missense c.1577G>T p.Gly526Val variant in COL1A2 gene has not been reported previously as a pathogenic variant nor as a benign variant, to our knowledge. Another missense variant on same residue of COL1A2 gene p.Gly526Arg has been reported previously in an individual affected with osteogenesis imperfecta Dawson et al., 1999. In COL1A2, variants affecting these glycine residues are significantly enriched in individuals with disease Marini et al., 2007. The p.Gly526Val variant is absent in gnomAD Exomes. This variant has not been submitted to the ClinVar database. Multiple lines of computational evidence Polyphen - Probably Damaging, SIFT - Damaging and MutationTaster - Damaging predict a damaging effect on protein structure and function for this variant. The reference amino acid of p.Gly526Val in COL1A2 is predicted as conserved by GERP++ and PhyloP across 100 vertebrates. The amino acid Gly at position 526 is changed to a Val changing protein sequence and it might alter its composition and physico-chemical properties. Additional functional studies will be required to prove the pathogenicity of this variant. For these reasons, this variant has been classified as Likely Pathogenic.

NM_000089.4(COL1A2):c.1577G>T (p.Gly526Val)

Gene: COL1A2 (collagen type I alpha 2 chain; plus strand). Cytogenetic location: 7q21.3.
Variant type: single nucleotide variant.
Coding change: c.1577G>T on transcript NM_000089.4 (MANE Select); coding-DNA position 1577, G replaced by T.
Protein change: p.Gly526Val; replaces glycine 526 with valine.
Molecular consequence: missense variant.
Genome position (GRCh38, 1-based): chr7:94,413,709, G>T. VCF-style: chr7-94413709-G-T. GRCh37 (hg19) VCF-style: chr7-94043021-G-T.
Other names: short protein forms G526V.
Identifiers: ClinVar variation 3391192 (VCV003391192.1).